The following is an entry in ClinVar:

NM_015278.5(SASH1):c.2385G>A (p.Thr795=)

Gene: SASH1 (SAM and SH3 domain containing 1; plus strand). Cytogenetic location: 6q25.1.
Variant type: single nucleotide variant.
Coding change: c.2385G>A on transcript NM_015278.5 (MANE Select); coding-DNA position 2385, G replaced by A.
Protein change: p.Thr795=; no amino-acid change (threonine 795 retained).
Molecular consequence: synonymous variant.
Genome position (GRCh38, 1-based): chr6:148,543,855, G>A. VCF-style: chr6-148543855-G-A. GRCh37 (hg19) VCF-style: chr6-148864991-G-A.
Other names: c.2250G>A, p.Thr750= (NM_001346505.2); c.2013G>A, p.Thr671= (NM_001346506.2); c.1668G>A, p.Thr556= (NM_001346507.2); c.2157G>A, p.Thr719= (NM_001346508.2); c.2034G>A, p.Thr678= (NM_001346509.2).
Identifiers: ClinVar variation 3040878 (VCV003040878.3), dbSNP rs181294022, ClinGen allele CA4040589.

ClinVar aggregate classification (germline): Likely benign. Review status: criteria provided, single submitter (1 of 4 stars). 2 submissions from 2 submitters: Likely benign (1). 1 of the submissions does not count toward it. Last evaluated 2024-09-20.

Conditions:
SASH1-related disorder. Also called: SASH1-related condition.

Allele frequency attached by ClinVar (database versions not stated): ESP Exome Variant Server 0.00015; TOPMed 0.00085; 1000 Genomes Project 30x 0.00281; 1000 Genomes Project 0.00339.
gnomAD v4.1: 543 of 1,614,156 alleles (0.034%); highest among the groups gnomAD compares: East Asian, 0.8%; 5 homozygotes.

Submissions (2):

Blueprint Genetics
Classification: Likely benign. Last evaluated: 2024-09-20. Review status: criteria provided, single submitter. Criteria: ACMG Guidelines, 2015. Collection method: clinical testing. Allele origin: germline.

PreventionGenetics, part of Exact Sciences
Classification: Benign for SASH1-related condition. Last evaluated: 2019-11-25. Review status: no assertion criteria provided. Collection method: clinical testing. Allele origin: germline. Not counted in ClinVar's aggregate classification.
Comment: This variant is classified as benign based on ACMG/AMP sequence variant interpretation guidelines (Richards et al. 2015 PMID: 25741868, with internal and published modifications).